The following is an entry in ClinVar:

NM_025114.4(CEP290):c.-27-56A>C

Gene: CEP290 (centrosomal protein 290; minus strand). Cytogenetic location: 12q21.32.
Variant type: single nucleotide variant.
Coding change: c.-27-56A>C on transcript NM_025114.4 (MANE Select); 56 bases into the intron before 27 bases upstream of the start codon, A replaced by C.
Molecular consequence: intron variant.
Genome position (GRCh38, 1-based): chr12:88,141,390, T>G on the plus strand (A>C on the coding strand, the complement: CEP290 is on the minus strand). VCF-style: chr12-88141390-T-G. GRCh37 (hg19) VCF-style: chr12-88535167-T-G.
Identifiers: ClinVar variation 676686 (VCV000676686.1), dbSNP rs28636672, ClinGen allele CA241169034.

ClinVar aggregate classification (germline): Benign (1 of 4 stars; one submission).

Allele frequency attached by ClinVar (database versions not stated): gnomAD exomes 0.00142; gnomAD 0.01624 and 0.01737; TOPMed 0.01915; 1000 Genomes Project 0.02057; 1000 Genomes Project 30x 0.02249.
gnomAD v4.1: 3,455 of 814,132 alleles (0.42%); highest among the groups gnomAD compares: African/African-American, 5.5%; 86 homozygotes.

Submission:

GeneDx
Classification: Benign. Last evaluated: 2018-06-16. Review status: criteria provided, single submitter. Criteria: GeneDx Variant Classification (06012015). Collection method: clinical testing. Allele origin: germline. Affected: yes.
Comment: This variant is considered likely benign or benign based on one or more of the following criteria: it is a conservative change, it occurs at a poorly conserved position in the protein, it is predicted to be benign by multiple in silico algorithms, and/or has population frequency not consistent with disease.